The following is an entry in ClinVar:

NM_001182.5(ALDH7A1):c.449A>G (p.Tyr150Cys)

Gene: ALDH7A1 (aldehyde dehydrogenase 7 family member A1; minus strand). Cytogenetic location: 5q23.2.
Variant type: single nucleotide variant.
Coding change: c.449A>G on transcript NM_001182.5 (MANE Select); coding-DNA position 449, A replaced by G.
Protein change: p.Tyr150Cys; replaces tyrosine 150 with cysteine.
Molecular consequence: missense variant.
Genome position (GRCh38, 1-based): chr5:126,582,919, T>C on the plus strand (A>G on the coding strand, the complement: ALDH7A1 is on the minus strand). VCF-style: chr5-126582919-T-C. GRCh37 (hg19) VCF-style: chr5-125918611-T-C.
Other names: c.365A>G, p.Tyr122Cys (NM_001201377.2); c.449A>G, p.Tyr150Cys (NM_001202404.2); c.449A>G (NM_001182.4); short protein forms Y122C, Y150C.
Identifiers: ClinVar variation 2194579 (VCV002194579.5), dbSNP rs1249290533, ClinGen allele CA360731838.

ClinVar aggregate classification (germline): Uncertain significance. Review status: criteria provided, multiple submitters, no conflicts (2 of 4 stars). 2 submissions from 2 submitters: Uncertain significance (2). Last evaluated 2025-11-08.

Conditions:
Inborn genetic diseases. Identifiers: MedGen C0950123, MeSH D030342.
Pyridoxine-dependent epilepsy (EPEO4). Also called: Pyridoxine-Dependent Seizures; Pyridoxine-Dependent Epilepsy - ALDH7A1; PYRIDOXINE DEPENDENCY WITH SEIZURES; EPILEPSY, EARLY-ONSET, 4, VITAMIN B6-DEPENDENT. Identifiers: Orphanet 3006, MedGen C1849508, MONDO:0009945, OMIM 266100. Disease mechanism: loss of function.

Allele frequency attached by ClinVar (database versions not stated): gnomAD 0.00001.
gnomAD v4.1: 1 of 1,613,740 alleles (0.000062%); highest among the groups gnomAD compares: Admixed American, 0.0017%; no homozygotes.

Submissions (2):

Ambry Genetics
Classification: Uncertain significance for Inborn genetic diseases. Last evaluated: 2025-11-08. Review status: criteria provided, single submitter. Criteria: Ambry Variant Classification Scheme 2023. Collection method: clinical testing. Allele origin: germline.

Labcorp Genetics (formerly Invitae), Labcorp
Classification: Uncertain significance for Pyridoxine-dependent epilepsy. Last evaluated: 2022-01-19. Review status: criteria provided, single submitter. Criteria: Invitae Variant Classification Sherloc (09022015). Collection method: clinical testing. Allele origin: germline.
Comment: This sequence change replaces tyrosine, which is neutral and polar, with cysteine, which is neutral and slightly polar, at codon 150 of the ALDH7A1 protein (p.Tyr150Cys). This variant is not present in population databases (gnomAD no frequency). This variant has not been reported in the literature in individuals affected with ALDH7A1-related conditions. Advanced modeling of protein sequence and biophysical properties (such as structural, functional, and spatial information, amino acid conservation, physicochemical variation, residue mobility, and thermodynamic stability) performed at Invitae indicates that this missense variant is expected to disrupt ALDH7A1 protein function. In summary, the available evidence is currently insufficient to determine the role of this variant in disease. Therefore, it has been classified as a Variant of Uncertain Significance.